The following is an entry in ClinVar:

ClinVar aggregate classification (germline): Pathogenic/Likely pathogenic. Review status: criteria provided, multiple submitters, no conflicts (2 of 4 stars). 2 submissions from 2 submitters: Pathogenic (1); Likely pathogenic (1). Last evaluated 2024-10-12.

Conditions:
Charlevoix-Saguenay spastic ataxia (SACS). Also called: Spastic ataxia of Charlevoix-Saguenay; SPASTIC ATAXIA 6, AUTOSOMAL RECESSIVE; AUTOSOMAL RECESSIVE SPASTIC ATAXIA OF CHARLEVOIX-SAGUENAY. Identifiers: Orphanet 98, MedGen C1849140, MONDO:0010041, OMIM 270550.
Spastic paraplegia. Identifiers: MedGen C0037772, HP:0001258.

Submissions (2):

Natera, Inc.
Classification: Likely pathogenic for Charlevoix-Saguenay type spastic ataxia. Last evaluated: 2024-10-12. Review status: criteria provided, single submitter. Criteria: Natera Variant Classification Schema (03/2026). Collection method: clinical testing. Allele origin: germline.
Comment: The c.11452G>T variant in SACS is a nonsense variant predicted to introduce a stop codon at amino acid 3818. This variant is expected to result in nonsense mediated decay, truncation, or a dysfunctional protein product. This variant is rare in the general population with a frequency below the threshold expected for the associated phenotype(s). Given the available evidence, this variant is classified as Likely Pathogenic.

Labcorp Genetics (formerly Invitae), Labcorp
Classification: Pathogenic for Spastic paraplegia. Last evaluated: 2023-12-16. Review status: criteria provided, single submitter. Criteria: Invitae Variant Classification Sherloc (09022015). Collection method: clinical testing. Allele origin: germline.
Comment: This sequence change creates a premature translational stop signal (p.Glu3818*) in the SACS gene. While this is not anticipated to result in nonsense mediated decay, it is expected to disrupt the last 762 amino acid(s) of the SACS protein. This variant is not present in population databases (gnomAD no frequency). This variant has not been reported in the literature in individuals affected with SACS-related conditions. This variant disrupts a region of the SACS protein in which other variant(s) (p.Asn4549Asp) have been determined to be pathogenic (PMID: 15156359, 21507954). This suggests that this is a clinically significant region of the protein, and that variants that disrupt it are likely to be disease-causing. For these reasons, this variant has been classified as Pathogenic.

Literature cited by the submitters: PubMed 15156359 (cited by Labcorp Genetics (formerly Invitae), Labcorp); PubMed 21507954 (cited by Labcorp Genetics (formerly Invitae), Labcorp).

NM_014363.6(SACS):c.11452G>T (p.Glu3818Ter)

Gene: SACS (sacsin molecular chaperone; minus strand). Cytogenetic location: 13q12.12.
Variant type: single nucleotide variant.
Coding change: c.11452G>T on transcript NM_014363.6 (MANE Select); coding-DNA position 11452, G replaced by T.
Protein change: p.Glu3818Ter; replaces glutamic acid 3818 with a stop codon.
Molecular consequence: nonsense.
Genome position (GRCh38, 1-based): chr13:23,332,424, C>A on the plus strand (G>T on the coding strand, the complement: SACS is on the minus strand). VCF-style: chr13-23332424-C-A. GRCh37 (hg19) VCF-style: chr13-23906563-C-A.
Other names: c.11011G>T, p.Glu3671Ter (NM_001278055.2); c.11452G>T (NM_014363.5); short protein forms E3818*, E3671*.
Identifiers: ClinVar variation 2703552 (VCV002703552.4), dbSNP rs2542169843, ClinGen allele CA387509957.